The following is an entry in ClinVar:

ClinVar aggregate classification (germline): Conflicting classifications of pathogenicity. Review status: criteria provided, conflicting classifications (1 of 4 stars). 3 submissions from 3 submitters: Likely pathogenic (2); Uncertain significance (1). Last evaluated 2026-03-19.

Conditions:
Mitochondrial DNA depletion syndrome 1. Also called: Mitochondrial neurogastrointestinal encephalomyopathy syndrome; Mitochondrial DNA Depletion Syndrome, MNGIE Form; MITOCHONDRIAL NEUROGASTROINTESTINAL ENCEPHALOPATHY SYNDROME, TYMP-RELATED; MNGIE, TYMP-RELATED; Mitochondrial Neurogastrointestinal Encephalopathy Disease; Mitochondrial DNA depletion syndrome 1 (MNGIE type). Identifiers: Orphanet 298, MedGen C4551995, MONDO:0011283, OMIM 603041.

Allele frequency attached by ClinVar (database versions not stated): gnomAD 0.00001.

Submissions (3):

Myriad Genetics, Inc.
Classification: Uncertain significance for Mitochondrial DNA depletion syndrome 1. Last evaluated: 2026-03-19. Review status: criteria provided, single submitter. Criteria: Myriad Autosomal Dominant, Autosomal Recessive and X-Linked Classification Criteria (2023). Collection method: clinical testing. Allele origin: unknown.
Comment: NM_001953.4(TYMP):c.391C>T(P131S) is a missense variant classified as a variant of uncertain significance in the context of mitochondrial neurogastrointestinal encephalopathy disease. P131S has been observed in a case with relevant disease (PMID: 30582904). Relevant functional assessments of this variant are not available in the literature. P131S has not been observed in referenced population frequency databases. In summary, there is insufficient evidence to classify NM_001953.4(TYMP):c.391C>T(P131S) as pathogenic or benign. Please note: this variant was assessed in the context of healthy population screening.

Fulgent Genetics
Classification: Likely pathogenic for Mitochondrial DNA depletion syndrome 1. Last evaluated: 2024-05-07. Review status: criteria provided, single submitter. Criteria: ACMG Guidelines, 2015. Collection method: clinical testing. Allele origin: germline.

Labcorp Genetics (formerly Invitae), Labcorp
Classification: Likely pathogenic. Last evaluated: 2023-12-21. Review status: criteria provided, single submitter. Criteria: Invitae Variant Classification Sherloc (09022015). Collection method: clinical testing. Allele origin: germline.
Comment: This sequence change replaces proline, which is neutral and non-polar, with serine, which is neutral and polar, at codon 131 of the TYMP protein (p.Pro131Ser). This variant is not present in population databases (gnomAD no frequency). This missense change has been observed in individual(s) with clinical features of TYMP-related conditions (PMID: 30582904). Advanced modeling of protein sequence and biophysical properties (such as structural, functional, and spatial information, amino acid conservation, physicochemical variation, residue mobility, and thermodynamic stability) performed at Invitae indicates that this missense variant is expected to disrupt TYMP protein function with a positive predictive value of 95%. This variant disrupts the p.Pro131 amino acid residue in TYMP. Other variant(s) that disrupt this residue have been determined to be pathogenic (PMID: 35341481, 36101829). This suggests that this residue is clinically significant, and that variants that disrupt this residue are likely to be disease-causing. In summary, the currently available evidence indicates that the variant is pathogenic, but additional data are needed to prove that conclusively. Therefore, this variant has been classified as Likely Pathogenic.

Literature cited by the submitters: PubMed 30582904 (cited by Myriad Genetics, Inc. and Labcorp Genetics (formerly Invitae), Labcorp); PubMed 35341481 (cited by Labcorp Genetics (formerly Invitae), Labcorp); PubMed 36101829 (cited by Labcorp Genetics (formerly Invitae), Labcorp).

NM_001953.5(TYMP):c.391C>T (p.Pro131Ser)

Gene: TYMP (thymidine phosphorylase; minus strand). Cytogenetic location: 22q13.33.
Variant type: single nucleotide variant.
Coding change: c.391C>T on transcript NM_001953.5 (MANE Select); coding-DNA position 391, C replaced by T.
Protein change: p.Pro131Ser; replaces proline 131 with serine.
Molecular consequence: missense variant.
Genome position (GRCh38, 1-based): chr22:50,529,162, G>A on the plus strand (C>T on the coding strand, the complement: TYMP is on the minus strand). VCF-style: chr22-50529162-G-A. GRCh37 (hg19) VCF-style: chr22-50967591-G-A.
Other names: c.391C>T, p.Pro131Ser (NM_001113755.3, NM_001113756.3, NM_001257988.1 and 1 more transcripts); short protein forms P131S.
Identifiers: ClinVar variation 2901099 (VCV002901099.5), dbSNP rs863224255, ClinGen allele CA412201951.